The following is an entry in ClinVar:

NM_006265.3(RAD21):c.94G>C (p.Val32Leu)

Gene: RAD21 (RAD21 cohesin complex component; minus strand). Cytogenetic location: 8q24.11.
Variant type: single nucleotide variant.
Coding change: c.94G>C on transcript NM_006265.3 (MANE Select); coding-DNA position 94, G replaced by C.
Protein change: p.Val32Leu; replaces valine 32 with leucine.
Molecular consequence: missense variant.
Genome position (GRCh38, 1-based): chr8:116,866,636, C>G on the plus strand (G>C on the coding strand, the complement: RAD21 is on the minus strand). VCF-style: chr8-116866636-C-G. GRCh37 (hg19) VCF-style: chr8-117878875-C-G.
Other names: short protein forms V32L.
Identifiers: ClinVar variation 3900400 (VCV003900400.1).
Genomic context (GRCh38, chr8:116,866,636, plus strand): 5'-TCAAACATACCTTTGGTGAGATGATACTCTCCACGCTGCTCTCTAAATTACACTCGAACA[C>G]ATGGGCTTTGGTTAGCTTCTTATCCCAATGGGCCGCTAGCCAAATTTTGGCCAGAGGCCC-3'
Protein context (NP_006256.1, residues 22-42): HWDKKLTKAH[Val32Leu]FECNLESSVE

ClinVar aggregate classification (germline): Uncertain significance (1 of 4 stars; one submission).

Submission:

GeneDx
Classification: Uncertain significance. Last evaluated: 2024-11-26. Review status: criteria provided, single submitter. Criteria: GeneDx Variant Classification Process June 2021. Collection method: clinical testing. Allele origin: germline. Affected: yes.
Comment: Not observed at significant frequency in large population cohorts (gnomAD); In silico analysis supports that this missense variant has a deleterious effect on protein structure/function; Has not been previously reported as pathogenic or benign in association with RAD21-related disorders to our knowledge; This variant is associated with the following publications: (PMID: 22976956)